The following is an entry in ClinVar:

NM_014264.5(PLK4):c.1046A>G (p.Asn349Ser)

Gene: PLK4 (polo like kinase 4; plus strand). Cytogenetic location: 4q28.1.
Variant type: single nucleotide variant.
Coding change: c.1046A>G on transcript NM_014264.5 (MANE Select); coding-DNA position 1046, A replaced by G.
Protein change: p.Asn349Ser; replaces asparagine 349 with serine.
Molecular consequence: missense variant.
Genome position (GRCh38, 1-based): chr4:127,886,416, A>G. VCF-style: chr4-127886416-A-G. GRCh37 (hg19) VCF-style: chr4-128807571-A-G.
Other names: c.950A>G, p.Asn317Ser (NM_001190799.2); c.923A>G, p.Asn308Ser (NM_001190801.2); short protein forms N308S, N317S, N349S.
Identifiers: ClinVar variation 837614 (VCV000837614.4), dbSNP rs1265765558, ClinGen allele CA358152137.

ClinVar aggregate classification (germline): Uncertain significance (1 of 4 stars; one submission).

Allele frequency attached by ClinVar (database versions not stated): gnomAD exomes below 0.00001 and 0.00001; TOPMed below 0.00001; gnomAD 0.00001.
gnomAD v4.1: 5 of 1,614,016 alleles (0.00031%); highest among the groups gnomAD compares: Admixed American, 0.0017%; no homozygotes.

Submission:

Labcorp Genetics (formerly Invitae), Labcorp
Classification: Uncertain significance. Last evaluated: 2021-09-01. Review status: criteria provided, single submitter. Criteria: Invitae Variant Classification Sherloc (09022015). Collection method: clinical testing. Allele origin: germline.
Comment: This sequence change replaces asparagine with serine at codon 349 of the PLK4 protein (p.Asn349Ser). The asparagine residue is moderately conserved and there is a small physicochemical difference between asparagine and serine. This variant is not present in population databases (ExAC no frequency). This variant has not been reported in the literature in individuals affected with PLK4-related conditions. Algorithms developed to predict the effect of missense changes on protein structure and function (SIFT, PolyPhen-2, Align-GVGD) all suggest that this variant is likely to be tolerated. In summary, the available evidence is currently insufficient to determine the role of this variant in disease. Therefore, it has been classified as a Variant of Uncertain Significance.